The following is an entry in ClinVar:

ClinVar aggregate classification (germline): Uncertain significance. Review status: criteria provided, single submitter (1 of 4 stars). 2 submissions from 2 submitters: Uncertain significance (1). 1 of the submissions does not count toward it. Last evaluated 2026-06-03.

Conditions:
Alkaptonuria (AKU). Also called: Alcaptonuria; HOMOGENTISIC ACID OXIDASE DEFICIENCY; Homogentisic acidura; Alkaptonuric ochronosis. Identifiers: Orphanet 56, MedGen C0002066, MONDO:0008753, OMIM 203500.

Allele frequency attached by ClinVar (database versions not stated): gnomAD 0.00001; gnomAD exomes 0.00001.
gnomAD v4.1: 10 of 1,612,864 alleles (0.00062%); highest among the groups gnomAD compares: African/African-American, 0.0013%; no homozygotes.

Submissions (3):

Myriad Genetics, Inc.
Classification: Uncertain significance for Alkaptonuria. Last evaluated: 2026-06-03. Review status: criteria provided, single submitter. Criteria: Myriad Autosomal Dominant, Autosomal Recessive and X-Linked Classification Criteria (2023). Collection method: clinical testing. Allele origin: unknown.
Comment: NM_000187.3(HGD):c.791A>G(N264S) is a missense variant classified as a variant of uncertain significance in the context of alkaptonuria. N264S has been observed in a case with relevant disease (PMID: 34504318). Relevant functional assessments of this variant are not available in the literature. N264S has been observed in referenced population frequency databases. In summary, there is insufficient evidence to classify NM_000187.3(HGD):c.791A>G(N264S) as pathogenic or benign. Please note: this variant was assessed in the context of healthy population screening.

Department Of Human Genetics, Institute Of Clinical And Translational Research, Biomedical Research Center, Slovak Academy Of Sciences
Classification: Pathogenic for Alkaptonuria. Review status: no assertion criteria provided. Collection method: research. Allele origin: germline. Inheritance: Autosomal recessive inheritance. Affected: yes. Observed: 1 variant allele. Not counted in ClinVar's aggregate classification.
Comment: The variant was originally described in AKU patient in PMID:34504318. It has been submitted to the HGD gene mutation database (DB-ID: AKU_00229).

Dr. Peter K. Rogan Lab, Western University
No classification provided (evidence only). Condition: Gastric cancer. Review status: no classification provided. Collection method: in vitro. Allele origin: not applicable. Functional consequence: retained intron. Not counted in ClinVar's aggregate classification.

Literature cited by the submitters: PubMed 34504318 (cited by Myriad Genetics, Inc. and Department Of Human Genetics, Institute Of Clinical And Translational Research, Biomedical Research Center, Slovak Academy Of Sciences).

NM_000187.4(HGD):c.791A>G (p.Asn264Ser)

Gene: HGD (homogentisate 1,2-dioxygenase; minus strand). Cytogenetic location: 3q13.33.
Variant type: single nucleotide variant.
Coding change: c.791A>G on transcript NM_000187.4 (MANE Select); coding-DNA position 791, A replaced by G.
Protein change: p.Asn264Ser; replaces asparagine 264 with serine.
Molecular consequence: missense variant.
Genome position (GRCh38, 1-based): chr3:120,641,677, T>C on the plus strand (A>G on the coding strand, the complement: HGD is on the minus strand). VCF-style: chr3-120641677-T-C. GRCh37 (hg19) VCF-style: chr3-120360524-T-C.
Other names: NC_000003.11:g.120360524T>C; short protein forms N264S.
Identifiers: ClinVar variation 2627706 (VCV002627706.3), dbSNP rs1469714335, ClinGen allele CA354074042.
Genomic context (GRCh38, chr3:120,641,677, plus strand): 5'-ACCATGAAATTCTTCAGGTTGTACTTGTAGGGTGTATAATTCCCGTGCCAGGCCACAACA[T>C]TGAACGGGGAGACATCCTAAACACAAAAAGCAGGAAAGGATAATTTTACCATCTAATGCT-3'
Protein context (NP_000178.2, residues 254-274): FAAKQDVSPF[Asn264Ser]VVAWHGNYTP